The following is an entry in ClinVar:

NM_007272.3(CTRC):c.758C>A (p.Thr253Asn)

Gene: CTRC (chymotrypsin C; plus strand). Cytogenetic location: 1p36.21.
Variant type: single nucleotide variant.
Coding change: c.758C>A on transcript NM_007272.3 (MANE Select); coding-DNA position 758, C replaced by A.
Protein change: p.Thr253Asn; replaces threonine 253 with asparagine.
Molecular consequence: missense variant.
Genome position (GRCh38, 1-based): chr1:15,445,715, C>A. VCF-style: chr1-15445715-C-A. GRCh37 (hg19) VCF-style: chr1-15772210-C-A.
Other names: short protein forms T253N.
Identifiers: ClinVar variation 1759650 (VCV001759650.3), dbSNP rs780783336, ClinGen allele CA338567918.

ClinVar aggregate classification (germline): Uncertain significance (1 of 4 stars; one submission).

Conditions:
Hereditary pancreatitis (PCTT). Also called: Hereditary chronic pancreatitis; PRSS1-Related Hereditary Pancreatitis. Identifiers: Orphanet 676, MedGen C0238339, MONDO:0008185, OMIM 167800.

gnomAD v4.1: 1 of 1,614,200 alleles (0.000062%); highest among the groups gnomAD compares: Non-Finnish European, 0.000085%; no homozygotes.

Submission:

Ambry Genetics
Classification: Uncertain significance for Hereditary pancreatitis. Last evaluated: 2024-05-24. Review status: criteria provided, single submitter. Criteria: Ambry Variant Classification Scheme 2023. Collection method: clinical testing. Allele origin: germline.
Comment: The p.T253N variant (also known as c.758C>A), located in coding exon 7 of the CTRC gene, results from a C to A substitution at nucleotide position 758. The threonine at codon 253 is replaced by asparagine, an amino acid with similar properties. This amino acid position is highly conserved in available vertebrate species. In addition, this alteration is predicted to be deleterious by in silico analysis. Since supporting evidence is limited at this time, the clinical significance of this alteration remains unclear.